The following is an entry in ClinVar:

ClinVar aggregate classification (germline): Uncertain significance (1 of 4 stars; one submission).

Conditions:
Hereditary cancer-predisposing syndrome. Also called: Neoplastic Syndromes, Hereditary; Tumor predisposition; Hereditary Cancer Syndrome; Hereditary neoplastic syndrome. Identifiers: Orphanet 140162, MedGen C0027672, MeSH D009386, MONDO:0015356.

Submission:

Ambry Genetics
Classification: Uncertain significance for Hereditary cancer-predisposing syndrome. Last evaluated: 2025-12-10. Review status: criteria provided, single submitter. Criteria: Ambry Variant Classification Scheme 2023. Collection method: clinical testing. Allele origin: germline.
Comment: The p.A761P variant (also known as c.2281G>C), located in coding exon 9 of the AXIN2 gene, results from a G to C substitution at nucleotide position 2281. The alanine at codon 761 is replaced by proline, an amino acid with highly similar properties. This amino acid position is conserved. In addition, this alteration is predicted to be tolerated by in silico analysis. Based on the available evidence, the clinical significance of this variant remains unclear.

NM_004655.4(AXIN2):c.2281G>C (p.Ala761Pro)

Gene: AXIN2 (axin 2; minus strand). Cytogenetic location: 17q24.1.
Variant type: single nucleotide variant.
Coding change: c.2281G>C on transcript NM_004655.4 (MANE Select); coding-DNA position 2281, G replaced by C.
Protein change: p.Ala761Pro; replaces alanine 761 with proline.
Molecular consequence: missense variant.
Genome position (GRCh38, 1-based): chr17:65,534,036, C>G on the plus strand (G>C on the coding strand, the complement: AXIN2 is on the minus strand). VCF-style: chr17-65534036-C-G. GRCh37 (hg19) VCF-style: chr17-63530154-C-G.
Other names: c.2086G>C, p.Ala696Pro (NM_001363813.1); short protein forms A761P, A696P.
Identifiers: ClinVar variation 4619911 (VCV004619911.1).